The following is an entry in ClinVar:

NM_001184880.2(PCDH19):c.559T>G (p.Phe187Val)

Gene: PCDH19 (protocadherin 19; minus strand). Cytogenetic location: Xq22.1.
Variant type: single nucleotide variant.
Coding change: c.559T>G on transcript NM_001184880.2 (MANE Select); coding-DNA position 559, T replaced by G.
Protein change: p.Phe187Val; replaces phenylalanine 187 with valine.
Molecular consequence: missense variant.
Genome position (GRCh38, 1-based): chrX:100,408,039, A>C on the plus strand (T>G on the coding strand, the complement: PCDH19 is on the minus strand). VCF-style: chrX-100408039-A-C. GRCh37 (hg19) VCF-style: chrX-99663037-A-C.
Other names: c.559T>G, p.Phe187Val (NM_001105243.2, NM_020766.3); short protein forms F187V.
Identifiers: ClinVar variation 193197 (VCV000193197.11), dbSNP rs764980282, ClinGen allele CA238713.
Genomic context (GRCh38, chrX:100,408,039, plus strand): 5'-GGAAGCTGTAGTGCGACTGCGTCTCGCGGTCCAGGCTCTTTTCCACCACGAGTTCGGCAA[A>C]GCGGGAGCCGTCGCCGCGCGTCTTGATCTCCAGGCCGAACAGCTCGTTGGGCGTGAGCTC-3'
Protein context (NP_001171809.1, residues 177-197): EIKTRGDGSR[Phe187Val]AELVVEKSLD

ClinVar aggregate classification (germline): Uncertain significance. Review status: criteria provided, multiple submitters, no conflicts (2 of 4 stars). 3 submissions from 3 submitters: Uncertain significance (3). Last evaluated 2025-09-21.

Conditions:
Inborn genetic diseases. Identifiers: MedGen C0950123, MeSH D030342.
Developmental and epileptic encephalopathy, 9 (DEE9). Also called: EPILEPSY, FEMALE-RESTRICTED, WITH MENTAL RETARDATION; PCDH19-Related X-Linked Female-Limited Epilepsy with Mental Retardation; Early infantile epileptic encephalopathy 9; JUBERG-HELLMAN SYNDROME. Identifiers: Orphanet 101039, Orphanet 2076, MedGen C1848137, MONDO:0010246, OMIM 300088. Disease mechanism: loss of function.

Allele frequency attached by ClinVar (database versions not stated): TOPMed below 0.00001; gnomAD 0.00001; gnomAD exomes 0.00001 and 0.00004; ExAC 0.00003.
gnomAD v4.1: 10 of 1,207,570 alleles (0.00083%); highest among the groups gnomAD compares: Admixed American, 0.02%; no homozygotes.

Submissions (3):

Labcorp Genetics (formerly Invitae), Labcorp
Classification: Uncertain significance for Developmental and epileptic encephalopathy, 9. Last evaluated: 2025-09-21. Review status: criteria provided, single submitter. Criteria: Invitae Variant Classification Sherloc (09022015). Collection method: clinical testing. Allele origin: germline.
Comment: This sequence change replaces phenylalanine, which is neutral and non-polar, with valine, which is neutral and non-polar, at codon 187 of the PCDH19 protein (p.Phe187Val). This variant is present in population databases (rs764980282, gnomAD 0.02%). This missense change has been observed in individual(s) with clinical features of PCDH19-related conditions (internal data). ClinVar contains an entry for this variant (Variation ID: 193197). Invitae Evidence Modeling of protein sequence and biophysical properties (such as structural, functional, and spatial information, amino acid conservation, physicochemical variation, residue mobility, and thermodynamic stability) has been performed for this missense variant. However, the output from this modeling did not meet the statistical confidence thresholds required to predict the impact of this variant on PCDH19 protein function. In summary, the available evidence is currently insufficient to determine the role of this variant in disease. Therefore, it has been classified as a Variant of Uncertain Significance.

Ambry Genetics
Classification: Uncertain significance for Inborn genetic diseases. Last evaluated: 2025-01-23. Review status: criteria provided, single submitter. Criteria: Ambry Variant Classification Scheme 2023. Collection method: clinical testing. Allele origin: germline.

Eurofins Ntd Llc (ga)
Classification: Uncertain significance. Last evaluated: 2014-09-05. Review status: criteria provided, single submitter. Criteria: EGL Classification Definitions 2015. Collection method: clinical testing. Allele origin: germline. Observed: 1 variant allele, 1 heterozygote.